The following is an entry in ClinVar:

NM_004415.4(DSP):c.2584_2585del (p.Gln862fs)

Gene: DSP (desmoplakin; plus strand). Cytogenetic location: 6p24.3.
Variant type: Microsatellite.
Coding change: c.2584_2585del on transcript NM_004415.4 (MANE Select); coding-DNA positions 2584 to 2585, 2 bases deleted (CA; older notation c.2584_2585delCA).
Protein change: p.Gln862fs; shifts the reading frame from glutamine 862.
Molecular consequence: frameshift variant.
Genome position (GRCh38, 1-based): chr6:7,575,442-7,575,443, CA deleted; deleting any 2 consecutive bases within chr6:7,575,438-7,575,443 gives the same sequence; the c. name uses the placement nearest the transcript's 3' end. VCF-style (leftmost placement, unchanged base first): chr6-7575437-TCA-T. GRCh37 (hg19) VCF-style: chr6-7575670-TCA-T.
Other names: c.2584_2585del, p.Gln862fs (NM_001008844.3, NM_001319034.2); short protein forms Q862fs.
Identifiers: ClinVar variation 3026563 (VCV003026563.22), dbSNP rs2533908914, ClinGen allele CA2740094238.
Genomic context (GRCh38, chr6:7,575,437, plus strand): 5'-CTCAGACTTCACAGCAGTATCCACTTTATGATCTGGACTTGGGCAAGTTCGGTGAAAAAG[TCA>T]CACAGCTGACAGACCGCTGGCAAAGGATAGATAAACAGATCGACTTTAGGTATGCCAGCC-3'

ClinVar aggregate classification (germline): Pathogenic (1 of 4 stars; one submission).

Submission:

CeGaT Center for Human Genetics Tuebingen
Classification: Pathogenic. Last evaluated: 2023-11-01. Review status: criteria provided, single submitter. Criteria: CeGaT Center For Human Genetics Tuebingen Variant Classification Criteria Version 2. Collection method: clinical testing. Allele origin: germline. Affected: yes. Observed: 1 variant allele.
Comment: DSP: PVS1, PM2